The following is an entry in ClinVar:

NM_001267550.2(TTN):c.85951C>T (p.Leu28651=)

Genes: TTN (titin; minus strand), TTN-AS1 (TTN antisense RNA 1; plus strand). Cytogenetic location: 2q31.2.
Variant type: single nucleotide variant.
Coding change: c.85951C>T on transcript NM_001267550.2 (MANE Select); coding-DNA position 85951, C replaced by T.
Protein change: p.Leu28651=; no amino-acid change (leucine 28651 retained).
Molecular consequence: synonymous variant.
Genome position (GRCh38, 1-based): chr2:178,560,181, G>A on the plus strand (C>T on the coding strand, the complement: TTN is on the minus strand). VCF-style: chr2-178560181-G-A. GRCh37 (hg19) VCF-style: chr2-179424908-G-A.
Other names: c.81028C>T, p.Leu27010= (NM_001256850.1); c.58756C>T, p.Leu19586= (NM_003319.4); c.78247C>T, p.Leu26083= (NM_133378.4); c.59131C>T, p.Leu19711= (NM_133432.3); c.59332C>T, p.Leu19778= (NM_133437.4).
Identifiers: ClinVar variation 390456 (VCV000390456.20), dbSNP rs190729405, ClinGen allele CA1988571.

ClinVar aggregate classification (germline): Likely benign. Review status: criteria provided, multiple submitters, no conflicts (2 of 4 stars). 7 submissions from 7 submitters: Likely benign (7). Last evaluated 2026-06-01.

Conditions:
TTN-related disorder. Also called: TTN-related disorders; TTN-related condition; TTN-related disease.
Cardiovascular phenotype. Identifiers: MedGen CN230736.
Autosomal recessive limb-girdle muscular dystrophy type 2J (LGMDR10). Also called: Limb-girdle muscular dystrophy, type 2J; MUSCULAR DYSTROPHY, LIMB-GIRDLE, AUTOSOMAL RECESSIVE 10. Identifiers: Orphanet 140922, MedGen C1837342, MONDO:0012127, OMIM 608807.
Dilated cardiomyopathy 1G (CMD1G). Identifiers: Orphanet 154, MedGen C1858763, MONDO:0011400, OMIM 604145.
Cardiomyopathy (CMYO). Also called: Cardiomyopathies. Identifiers: Orphanet 167848, MedGen C0878544, MONDO:0004994, HP:0001638. Inheritance: Various modes of inheritance.

Allele frequency attached by ClinVar (database versions not stated): gnomAD exomes 0.00002 and 0.00005; ExAC 0.00007; 1000 Genomes Project 30x 0.00016; ESP Exome Variant Server 0.00017; gnomAD 0.00018 and 0.00019; 1000 Genomes Project 0.00020; TOPMed 0.00023.
gnomAD v4.1: 52 of 1,613,710 alleles (0.0032%); highest among the groups gnomAD compares: African/African-American, 0.067%; no homozygotes.

Submissions (7):

Women's Health and Genetics/Laboratory Corporation of America, LabCorp
Classification: Likely benign. Last evaluated: 2026-06-01. Review status: criteria provided, single submitter. Criteria: LabCorp Variant Classification Summary - May 2015. Collection method: clinical testing. Allele origin: germline.

Labcorp Genetics (formerly Invitae), Labcorp
Classification: Likely benign for Dilated cardiomyopathy 1G; Autosomal recessive limb-girdle muscular dystrophy type 2J. Last evaluated: 2025-11-23. Review status: criteria provided, single submitter. Criteria: Invitae Variant Classification Sherloc (09022015). Collection method: clinical testing. Allele origin: germline.

PreventionGenetics, part of Exact Sciences
Classification: Likely benign for TTN-related condition. Last evaluated: 2025-09-15. Review status: criteria provided, single submitter. Criteria: ACMG Guidelines, 2015. Collection method: clinical testing. Allele origin: germline.
Comment: This variant is classified as likely benign based on ACMG/AMP sequence variant interpretation guidelines (Richards et al. 2015 PMID: 25741868, with internal and published modifications).

Molecular Diagnostic Laboratory for Inherited Cardiovascular Disease, Montreal Heart Institute
Classification: Likely benign. Last evaluated: 2025-04-09. Review status: criteria provided, single submitter. Criteria: ACMG Guidelines, 2015. Collection method: clinical testing. Allele origin: germline. Affected: no.
Comment: BP7

GeneDx
Classification: Likely benign. Last evaluated: 2020-02-11. Review status: criteria provided, single submitter. Criteria: GeneDx Variant Classification Process June 2021. Collection method: clinical testing. Allele origin: germline. Affected: yes.

Ambry Genetics
Classification: Likely benign for Cardiovascular phenotype. Last evaluated: 2018-09-29. Review status: criteria provided, single submitter. Criteria: Ambry Variant Classification Scheme 2023. Collection method: clinical testing. Allele origin: germline.

CHEO Genetics Diagnostic Laboratory, Children's Hospital of Eastern Ontario
Classification: Likely benign for Cardiomyopathy. Last evaluated: 2016-07-27. Review status: criteria provided, single submitter. Criteria: ACMG Guidelines, 2015. Collection method: clinical testing. Allele origin: germline. Study: Canadian Open Genetics Repository.